The following is an entry in ClinVar:

ClinVar aggregate classification (germline): Likely benign (1 of 4 stars; one submission).

Conditions:
ANK1-related disorder. Also called: ANK1-related condition.

gnomAD v4.1: 168 of 1,614,004 alleles (0.01%); highest among the groups gnomAD compares: South Asian, 0.18%; 1 homozygote.

Submission:

PreventionGenetics, part of Exact Sciences
Classification: Likely benign for ANK1-related condition. Last evaluated: 2026-02-10. Review status: criteria provided, single submitter. Criteria: ACMG Guidelines, 2015. Collection method: clinical testing. Allele origin: germline.
Comment: This variant is classified as likely benign based on ACMG/AMP sequence variant interpretation guidelines (Richards et al. 2015 PMID: 25741868, with internal and published modifications).

NM_000037.4(ANK1):c.3115+5G>A

Gene: ANK1 (ankyrin 1; minus strand). Cytogenetic location: 8p11.21.
Variant type: single nucleotide variant.
Coding change: c.3115+5G>A on transcript NM_000037.4 (MANE Select); 5 bases into the intron after coding-DNA position 3115, G replaced by A.
Molecular consequence: intron variant.
Genome position (GRCh38, 1-based): chr8:41,695,172, C>T on the plus strand (G>A on the coding strand, the complement: ANK1 is on the minus strand). VCF-style: chr8-41695172-C-T. GRCh37 (hg19) VCF-style: chr8-41552690-C-T.
Other names: c.3238+5G>A (NM_001142446.2); c.3115+5G>A (NM_020477.3, NM_020475.3, NM_020476.3).
Identifiers: ClinVar variation 4980312 (VCV004980312.1).
Genomic context (GRCh38, chr8:41,695,172, plus strand): 5'-TAAGGTGCAACTCAAACCCCTCTTCCGCAAGGAGGGGACCCAGCCCTGGGATCCCCCGCC[C>T]CTACCTTCGTCCATCCCGTTGAGGATCTGATCCAGGTAGCTCTCTCCATAGCGGCTCCTG-3'